The following is an entry in ClinVar:

NM_032447.5(FBN3):c.5378G>A (p.Arg1793Gln)

Gene: FBN3 (fibrillin 3; minus strand). Cytogenetic location: 19p13.2.
Variant type: single nucleotide variant.
Coding change: c.5378G>A on transcript NM_032447.5 (MANE Select); coding-DNA position 5378, G replaced by A.
Protein change: p.Arg1793Gln; replaces arginine 1793 with glutamine.
Molecular consequence: missense variant.
Genome position (GRCh38, 1-based): chr19:8,096,916, C>T on the plus strand (G>A on the coding strand, the complement: FBN3 is on the minus strand). VCF-style: chr19-8096916-C-T. GRCh37 (hg19) VCF-style: chr19-8161800-C-T.
Other names: c.5378G>A, p.Arg1793Gln (NM_001321431.2); c.5378G>A (NM_032447.3); short protein forms R1793Q.
Identifiers: ClinVar variation 1449230 (VCV001449230.8), dbSNP rs143230386, ClinGen allele CA9151684.

ClinVar aggregate classification (germline): Uncertain significance. Review status: criteria provided, multiple submitters, no conflicts (2 of 4 stars). 2 submissions from 2 submitters: Uncertain significance (2). Last evaluated 2025-06-23.

Allele frequency attached by ClinVar (database versions not stated): ExAC 0.00002; gnomAD exomes 0.00002 and 0.00003; TOPMed 0.00002; gnomAD 0.00004; 1000 Genomes Project 30x 0.00016; 1000 Genomes Project 0.00020.
gnomAD v4.1: 35 of 1,613,766 alleles (0.0022%); highest among the groups gnomAD compares: Admixed American, 0.0083%; no homozygotes.

Submissions (2):

Ambry Genetics
Classification: Uncertain significance. Last evaluated: 2025-06-23. Review status: criteria provided, single submitter. Criteria: Ambry Variant Classification Scheme 2023. Collection method: clinical testing. Allele origin: germline.

Labcorp Genetics (formerly Invitae), Labcorp
Classification: Uncertain significance. Last evaluated: 2022-06-01. Review status: criteria provided, single submitter. Criteria: Invitae Variant Classification Sherloc (09022015). Collection method: clinical testing. Allele origin: germline.
Comment: In summary, the available evidence is currently insufficient to determine the role of this variant in disease. Therefore, it has been classified as a Variant of Uncertain Significance. Algorithms developed to predict the effect of missense changes on protein structure and function output the following: SIFT: "Not Available"; PolyPhen-2: "Benign"; Align-GVGD: "Not Available". The glutamine amino acid residue is found in multiple mammalian species, which suggests that this missense change does not adversely affect protein function. ClinVar contains an entry for this variant (Variation ID: 1449230). This variant has not been reported in the literature in individuals affected with FBN3-related conditions. This variant is present in population databases (rs143230386, gnomAD 0.006%). This sequence change replaces arginine, which is basic and polar, with glutamine, which is neutral and polar, at codon 1793 of the FBN3 protein (p.Arg1793Gln).